The following is an entry in ClinVar:

ClinVar aggregate classification (germline): Likely pathogenic (1 of 4 stars; one submission).

Conditions:
Autosomal recessive limb-girdle muscular dystrophy type 2J (LGMDR10). Also called: Limb-girdle muscular dystrophy, type 2J; MUSCULAR DYSTROPHY, LIMB-GIRDLE, AUTOSOMAL RECESSIVE 10. Identifiers: Orphanet 140922, MedGen C1837342, MONDO:0012127, OMIM 608807.
Dilated cardiomyopathy 1G (CMD1G). Identifiers: Orphanet 154, MedGen C1858763, MONDO:0011400, OMIM 604145.

Submission:

Labcorp Genetics (formerly Invitae), Labcorp
Classification: Likely pathogenic for Dilated cardiomyopathy 1G; Autosomal recessive limb-girdle muscular dystrophy type 2J. Last evaluated: 2026-01-07. Review status: criteria provided, single submitter. Criteria: Invitae Variant Classification Sherloc (09022015). Collection method: clinical testing. Allele origin: germline.
Comment: This sequence change creates a premature translational stop signal (p.Ile1793Leufs*27) in the TTN gene. While this is not anticipated to result in nonsense mediated decay, it is expected to create a truncated TTN protein. This variant is not present in population databases (gnomAD no frequency). This variant has not been observed in the literature in individuals with autosomal recessive TTN-related conditions. This variant has been reported in individual(s) with dilated cardiomyopathy (internal data); however, the role of the variant in this condition is currently unclear. This variant is located in the Z band of TTN (PMID: 25589632). Truncating variants in this region have been reported in individuals affected with autosomal recessive centronuclear myopathy (PMID: 33449170, internal data). Truncating variants in this region have also been identified in individuals affected with autosomal dominant dilated cardiomyopathy and/or cardio-related conditions (PMID: 27869827, 32964742, internal data). In summary, the currently available evidence indicates that the variant is pathogenic, but additional data are needed to prove that conclusively. Therefore, this variant has been classified as Likely Pathogenic.

Literature cited by the submitters: PubMed 25589632; PubMed 33449170; PubMed 27869827; PubMed 32964742.

NM_001267550.2(TTN):c.5374del (p.Ile1793fs)

Gene: TTN (titin; minus strand). Cytogenetic location: 2q31.2.
Variant type: Deletion.
Coding change: c.5374del on transcript NM_001267550.2 (MANE Select); coding-DNA position 5374, one base deleted (C; older notation c.5374delC).
Protein change: p.Ile1793fs; shifts the reading frame from isoleucine 1793.
Molecular consequence: frameshift variant.
Genome position (GRCh38, 1-based): chr2:178,776,490, G deleted on the plus strand (C on the coding strand, the reverse complement: TTN is on the minus strand); the first of 3 consecutive G bases (chr2:178,776,490-178,776,492); deleting any one gives the same sequence. VCF-style (leftmost placement, unchanged base first): chr2-178776489-AG-A. GRCh37 (hg19) VCF-style: chr2-179641216-AG-A.
Other names: c.5374del, p.Ile1793fs (NM_001256850.1, NM_133378.4, NM_133379.5); c.5236del, p.Ile1747fs (NM_003319.4, NM_133432.3, NM_133437.4); short protein forms I1747fs, I1793fs.
Identifiers: ClinVar variation 4787208 (VCV004787208.1).